The following is an entry in ClinVar:

ClinVar aggregate classification (germline): Likely benign (1 of 4 stars; one submission).

gnomAD v4.1: 57 of 1,610,930 alleles (0.0035%); highest among the groups gnomAD compares: Non-Finnish European, 0.0047%; no homozygotes.

Submission:

CeGaT Center for Human Genetics Tuebingen
Classification: Likely benign. Last evaluated: 2026-09-01. Review status: criteria provided, single submitter. Criteria: CeGaT Center For Human Genetics Tuebingen Variant Classification Criteria Version 2. Collection method: clinical testing. Allele origin: germline. Affected: yes. Observed: 1 variant allele.
Comment: ABCA2: BP4, BP7

NM_001606.5(ABCA2):c.5803C>T (p.Leu1935=)

Genes: ABCA2 (ATP binding cassette subfamily A member 2; minus strand), LOC126860796 (CDK7 strongly-dependent group 2 enhancer GRCh37_chr9:139904888-139906087; plus strand). Cytogenetic location: 9q34.3.
Variant type: single nucleotide variant.
Coding change: c.5803C>T on transcript NM_001606.5 (MANE Select); coding-DNA position 5803, C replaced by T.
Protein change: p.Leu1935=; no amino-acid change (leucine 1935 retained).
Molecular consequence: synonymous variant.
Genome position (GRCh38, 1-based): chr9:137,011,306, G>A on the plus strand (C>T on the coding strand, the complement: ABCA2 is on the minus strand). VCF-style: chr9-137011306-G-A. GRCh37 (hg19) VCF-style: chr9-139905758-G-A.
Other names: c.5800C>T, p.Leu1934= (NM_001411042.1); c.5893C>T, p.Leu1965= (NM_212533.3).
Identifiers: ClinVar variation 5040909 (VCV005040909.1).
Genomic context (GRCh38, chr9:137,011,306, plus strand): 5'-CCAGGTTGTAGTTGGGGAAAATGAGGAAGCAGCTTTTCAGGTAACTGTTGACAACCTTCA[G>A]GTCCTGCGGGGTGGCCGGGGTCAGGGGCACAGGGGTGGCCGGGGTGAGGGGCACAGCCTC-3'
Protein context (NP_001597.2, residues 1925-1945): LLQLFEHDKD[Leu1935=]KVVNSYLKSC